The following is an entry in ClinVar:

NM_000431.4(MVK):c.500C>A (p.Pro167Gln)

Gene: MVK (mevalonate kinase; plus strand). Cytogenetic location: 12q24.11.
Variant type: single nucleotide variant.
Coding change: c.500C>A on transcript NM_000431.4 (MANE Select); coding-DNA position 500, C replaced by A.
Protein change: p.Pro167Gln; replaces proline 167 with glutamine.
Molecular consequence: missense variant. On other transcripts: intron variant (1).
Genome position (GRCh38, 1-based): chr12:109,581,523, C>A. VCF-style: chr12-109581523-C-A. GRCh37 (hg19) VCF-style: chr12-110019328-C-A.
Other names: c.500C>A, p.Pro167Gln (NM_001114185.3, NM_001414511.1, NM_001414512.1 and 1 more transcripts); c.-83C>A (NM_001414515.1); c.371+1577C>A (NM_001301182.2); short protein forms P167Q.
Identifiers: ClinVar variation 2098514 (VCV002098514.4), dbSNP rs104895300, ClinGen allele CA386646437.

ClinVar aggregate classification (germline): Likely pathogenic (1 of 4 stars; one submission).

Conditions:
Mevalonic aciduria (MEVA). Identifiers: Orphanet 29, MedGen C1959626, MONDO:0012481, OMIM 610377.
Hyperimmunoglobulin D with periodic fever (HIDS). Also called: Hyperimmunoglobulinemia D with periodic fever; Hyperimmunoglobulinemia D; HYPERIMMUNOGLOBULINEMIA D AND PERIODIC FEVER SYNDROME. Identifiers: Orphanet 343, MedGen C0398691, MONDO:0009849, OMIM 260920.
Porokeratosis 3, disseminated superficial actinic type (POROK3). Also called: POROKERATOSIS 3, MULTIPLE TYPES; POROKERATOSIS 3, MIBELLI TYPE; POROKERATOSIS, DISSEMINATED SUPERFICIAL ACTINIC, 1. Identifiers: MedGen C1867981, MONDO:0008293, OMIM 175900.

Submission:

Labcorp Genetics (formerly Invitae), Labcorp
Classification: Likely pathogenic for Mevalonic aciduria; Hyperimmunoglobulin D with periodic fever; Porokeratosis 3, disseminated superficial actinic type. Last evaluated: 2025-09-08. Review status: criteria provided, single submitter. Criteria: Invitae Variant Classification Sherloc (09022015). Collection method: clinical testing. Allele origin: germline.
Comment: This sequence change replaces proline, which is neutral and non-polar, with glutamine, which is neutral and polar, at codon 167 of the MVK protein (p.Pro167Gln). This variant is not present in population databases (gnomAD no frequency). This variant has not been reported in the literature in individuals affected with MVK-related conditions. ClinVar contains an entry for this variant (Variation ID: 2098514). Invitae Evidence Modeling of protein sequence and biophysical properties (such as structural, functional, and spatial information, amino acid conservation, physicochemical variation, residue mobility, and thermodynamic stability) indicates that this missense variant is expected to disrupt MVK protein function with a positive predictive value of 95%. This variant disrupts the p.Pro167 amino acid residue in MVK. Other variant(s) that disrupt this residue have been determined to be pathogenic (PMID: 10369262, 11313769). This suggests that this residue is clinically significant, and that variants that disrupt this residue are likely to be disease-causing. In summary, the currently available evidence indicates that the variant is pathogenic, but additional data are needed to prove that conclusively. Therefore, this variant has been classified as Likely Pathogenic.

Literature cited by the submitters: PubMed 10369262; PubMed 11313769.